The following is an entry in ClinVar:

NM_014520.4(MYBBP1A):c.1825-4G>A

Gene: MYBBP1A (MYB binding protein 1a; minus strand). Cytogenetic location: 17p13.2.
Variant type: single nucleotide variant.
Coding change: c.1825-4G>A on transcript NM_014520.4 (MANE Select); 4 bases into the intron before coding-DNA position 1825, G replaced by A.
Molecular consequence: intron variant.
Genome position (GRCh38, 1-based): chr17:4,545,946, C>T on the plus strand (G>A on the coding strand, the complement: MYBBP1A is on the minus strand). VCF-style: chr17-4545946-C-T. GRCh37 (hg19) VCF-style: chr17-4449241-C-T.
Other names: c.1825-4G>A (NM_001105538.2).
Identifiers: ClinVar variation 782416 (VCV000782416.28), dbSNP rs112317443, ClinGen allele CA8304945.

ClinVar aggregate classification (germline): Benign/Likely benign. Review status: criteria provided, multiple submitters, no conflicts (2 of 4 stars). 3 submissions from 3 submitters: Benign (1); Likely benign (2). Last evaluated 2025-08-18.

Allele frequency attached by ClinVar (database versions not stated): 1000 Genomes Project 0.00140; 1000 Genomes Project 30x 0.00156; gnomAD 0.00482 and 0.00493; TOPMed 0.00483; gnomAD exomes 0.00532; ESP Exome Variant Server 0.00538; ExAC 0.00556.
gnomAD v4.1: 10,121 of 1,612,238 alleles (0.63%); highest among the groups gnomAD compares: Middle Eastern, 0.94%; 52 homozygotes.

Submissions (3):

Genomic Medicine Center of Excellence, King Faisal Specialist Hospital and Research Centre
Classification: Likely benign. Last evaluated: 2025-08-18. Review status: criteria provided, single submitter. Criteria: ACMG Guidelines, 2015. Collection method: clinical testing. Allele origin: germline.

CeGaT Center for Human Genetics Tuebingen
Classification: Likely benign. Last evaluated: 2023-03-01. Review status: criteria provided, single submitter. Criteria: CeGaT Center For Human Genetics Tuebingen Variant Classification Criteria Version 2. Collection method: clinical testing. Allele origin: germline. Affected: yes. Observed: 1 variant allele.
Comment: MYBBP1A: BP4, BS2

Labcorp Genetics (formerly Invitae), Labcorp
Classification: Benign. Last evaluated: 2017-06-07. Review status: criteria provided, single submitter. Criteria: Invitae Variant Classification Sherloc (09022015). Collection method: clinical testing. Allele origin: germline.